The following is an entry in ClinVar:

NM_006642.5(SDCCAG8):c.245G>A (p.Arg82His)

Gene: SDCCAG8 (SHH signaling and ciliogenesis regulator SDCCAG8; plus strand). Cytogenetic location: 1q43.
Variant type: single nucleotide variant.
Coding change: c.245G>A on transcript NM_006642.5 (MANE Select); coding-DNA position 245, G replaced by A.
Protein change: p.Arg82His; replaces arginine 82 with histidine.
Molecular consequence: missense variant. On other transcripts: 5 prime UTR variant (4).
Genome position (GRCh38, 1-based): chr1:243,271,002, G>A. VCF-style: chr1-243271002-G-A. GRCh37 (hg19) VCF-style: chr1-243434304-G-A.
Other names: c.-868G>A (NM_001350246.2); c.-756G>A (NM_001350247.2); c.245G>A, p.Arg82His (NM_001350248.2); c.-50G>A (NM_001350249.2); c.-1129G>A (NM_001350251.2); short protein forms R82H.
Identifiers: ClinVar variation 954914 (VCV000954914.13), dbSNP rs577345357, ClinGen allele CA1483247.

ClinVar aggregate classification (germline): Uncertain significance. Review status: criteria provided, multiple submitters, no conflicts (2 of 4 stars). 3 submissions from 3 submitters: Uncertain significance (2). 1 of the submissions does not count toward it. Last evaluated 2026-01-12.

Conditions:
SDCCAG8-related disorder. Also called: SDCCAG8-related condition; SDCCAG8-Related Disorders.
Senior-Loken syndrome 7 (SLSN7). Identifiers: Orphanet 3156, MedGen C3150877, MONDO:0013326, OMIM 613615.
Bardet-Biedl syndrome 16 (BBS16). Identifiers: Orphanet 110, MedGen C3889474, MONDO:0014444, OMIM 615993.

Allele frequency attached by ClinVar (database versions not stated): ExAC 0.00001; gnomAD 0.00006 and 0.00007.

Submissions (3):

Labcorp Genetics (formerly Invitae), Labcorp
Classification: Uncertain significance for Bardet-Biedl syndrome 16; Senior-Loken syndrome 7. Last evaluated: 2026-01-12. Review status: criteria provided, single submitter. Criteria: Invitae Variant Classification Sherloc (09022015). Collection method: clinical testing. Allele origin: germline.
Comment: This sequence change replaces arginine, which is basic and polar, with histidine, which is basic and polar, at codon 82 of the SDCCAG8 protein (p.Arg82His). This variant is present in population databases (rs577345357, gnomAD 0.006%). This variant has not been reported in the literature in individuals affected with SDCCAG8-related conditions. ClinVar contains an entry for this variant (Variation ID: 954914). Invitae Evidence Modeling of protein sequence and biophysical properties (such as structural, functional, and spatial information, amino acid conservation, physicochemical variation, residue mobility, and thermodynamic stability) indicates that this missense variant is not expected to disrupt SDCCAG8 protein function with a negative predictive value of 80%. In summary, the available evidence is currently insufficient to determine the role of this variant in disease. Therefore, it has been classified as a Variant of Uncertain Significance.

Genetic Services Laboratory, University of Chicago
Classification: Uncertain significance. Last evaluated: 2018-09-27. Review status: criteria provided, single submitter. Criteria: ACMG Guidelines, 2015. Collection method: clinical testing. Allele origin: germline. Affected: no.

PreventionGenetics, part of Exact Sciences
Classification: Uncertain significance for SDCCAG8-related condition. Last evaluated: 2024-03-01. Review status: no assertion criteria provided. Collection method: clinical testing. Allele origin: germline. Not counted in ClinVar's aggregate classification.
Comment: The SDCCAG8 c.245G>A variant is predicted to result in the amino acid substitution p.Arg82His. To our knowledge, this variant has not been reported in the literature. This variant is reported in 0.0062% of alleles in individuals of European (Non-Finnish) descent in gnomAD. At this time, the clinical significance of this variant is uncertain due to the absence of conclusive functional and genetic evidence.